The following is an entry in ClinVar:

ClinVar aggregate classification (germline): Likely benign (1 of 4 stars; one submission).

gnomAD v4.1: 2 of 1,539,264 alleles (0.00013%); highest among the groups gnomAD compares: Non-Finnish European, 0.000087%; no homozygotes.

Submission:

CeGaT Center for Human Genetics Tuebingen
Classification: Likely benign. Last evaluated: 2025-07-01. Review status: criteria provided, single submitter. Criteria: CeGaT Center For Human Genetics Tuebingen Variant Classification Criteria Version 2. Collection method: clinical testing. Allele origin: germline. Affected: yes. Observed: 1 variant allele.
Comment: C2orf69: BP4, BP7

NM_153689.6(C2orf69):c.321T>G (p.Pro107=)

Gene: C2orf69 (chromosome 2 open reading frame 69; plus strand). Cytogenetic location: 2q33.1.
Variant type: single nucleotide variant.
Coding change: c.321T>G on transcript NM_153689.6 (MANE Select); coding-DNA position 321, T replaced by G.
Protein change: p.Pro107=; no amino-acid change (proline 107 retained).
Molecular consequence: synonymous variant.
Genome position (GRCh38, 1-based): chr2:199,911,759, T>G. VCF-style: chr2-199911759-T-G. GRCh37 (hg19) VCF-style: chr2-200776482-T-G.
Identifiers: ClinVar variation 4085038 (VCV004085038.8).